The following is an entry in ClinVar:

NM_001291303.3(FAT4):c.8338A>G (p.Ser2780Gly)

Gene: FAT4 (FAT atypical cadherin 4; plus strand). Cytogenetic location: 4q28.1.
Variant type: single nucleotide variant.
Coding change: c.8338A>G on transcript NM_001291303.3 (MANE Select); coding-DNA position 8338, A replaced by G.
Protein change: p.Ser2780Gly; replaces serine 2780 with glycine.
Molecular consequence: missense variant.
Genome position (GRCh38, 1-based): chr4:125,449,348, A>G. VCF-style: chr4-125449348-A-G. GRCh37 (hg19) VCF-style: chr4-126370503-A-G.
Other names: c.8338A>G, p.Ser2780Gly (NM_001291285.3); c.8332A>G, p.Ser2778Gly (NM_024582.6); short protein forms S2778G, S2780G.
Identifiers: ClinVar variation 1935045 (VCV001935045.5), dbSNP rs374663857, ClinGen allele CA3073351.
Genomic context (GRCh38, chr4:125,449,348, plus strand): 5'-AAAGTCATGATTAACATTTTAGATGAAAATGATAATGCCCCTAGGTTTTCTCAGATATTT[A>G]GTGCCCATGTTCCTGAAAATTCCCCCTTAGGATACACAGTTACCCGTGTCACAACTTCTG-3'
Protein context (NP_001278232.1, residues 2770-2790): DNAPRFSQIF[Ser2780Gly]AHVPENSPLG

ClinVar aggregate classification (germline): Uncertain significance (1 of 4 stars; one submission).

Allele frequency attached by ClinVar (database versions not stated): TOPMed 0.00001; ExAC 0.00002; gnomAD 0.00002; ESP Exome Variant Server 0.00008.
gnomAD v4.1: 5 of 1,613,774 alleles (0.00031%); highest among the groups gnomAD compares: African/African-American, 0.004%; no homozygotes.

Submission:

Labcorp Genetics (formerly Invitae), Labcorp
Classification: Uncertain significance. Last evaluated: 2022-07-01. Review status: criteria provided, single submitter. Criteria: Invitae Variant Classification Sherloc (09022015). Collection method: clinical testing. Allele origin: germline.
Comment: In summary, the available evidence is currently insufficient to determine the role of this variant in disease. Therefore, it has been classified as a Variant of Uncertain Significance. Advanced modeling of protein sequence and biophysical properties (such as structural, functional, and spatial information, amino acid conservation, physicochemical variation, residue mobility, and thermodynamic stability) performed at Invitae indicates that this missense variant is not expected to disrupt FAT4 protein function. This variant has not been reported in the literature in individuals affected with FAT4-related conditions. This variant is present in population databases (rs374663857, gnomAD 0.01%). This sequence change replaces serine, which is neutral and polar, with glycine, which is neutral and non-polar, at codon 2778 of the FAT4 protein (p.Ser2778Gly).